The following is an entry in ClinVar:

NM_005918.4(MDH2):c.197C>T (p.Ala66Val)

Gene: MDH2 (malate dehydrogenase 2; plus strand). Cytogenetic location: 7q11.23.
Variant type: single nucleotide variant.
Coding change: c.197C>T on transcript NM_005918.4 (MANE Select); coding-DNA position 197, C replaced by T.
Protein change: p.Ala66Val; replaces alanine 66 with valine.
Molecular consequence: missense variant. On other transcripts: intron variant (1).
Genome position (GRCh38, 1-based): chr7:76,054,960, C>T. VCF-style: chr7-76054960-C-T. GRCh37 (hg19) VCF-style: chr7-75684278-C-T.
Other names: c.197C>T, p.Ala66Val (NM_001282403.2); c.-86-2450C>T (NM_001282404.2); short protein forms A66V.
Identifiers: ClinVar variation 3394065 (VCV003394065.1).
Genomic context (GRCh38, chr7:76,054,960, plus strand): 5'-ACAGCCCCTTGGTGAGCCGCCTGACCCTCTATGATATCGCGCACACACCCGGAGTGGCCG[C>T]AGATCTGAGCCACATCGAGACCAAAGCCGCTGTGAAAGGTACTGGGCGCGCTGACCCTGG-3'
Protein context (NP_005909.2, residues 56-76): YDIAHTPGVA[Ala66Val]DLSHIETKAA

ClinVar aggregate classification (germline): Uncertain significance (1 of 4 stars; one submission).

Conditions:
Inborn genetic diseases. Identifiers: MedGen C0950123, MeSH D030342.

Submission:

Ambry Genetics
Classification: Uncertain significance for Inborn genetic diseases. Last evaluated: 2024-08-05. Review status: criteria provided, single submitter. Criteria: Ambry Variant Classification Scheme 2023. Collection method: clinical testing. Allele origin: germline.
Comment: The p.A66V variant (also known as c.197C>T), located in coding exon 2 of the MDH2 gene, results from a C to T substitution at nucleotide position 197. The alanine at codon 66 is replaced by valine, an amino acid with similar properties. This amino acid position is conserved. In addition, this alteration is predicted to be tolerated by in silico analysis. Based on the available evidence, the clinical significance of this variant remains unclear.